The following is an entry in ClinVar:

ClinVar aggregate classification (germline): Likely benign. Review status: reviewed by expert panel (3 of 4 stars). 5 submissions from 5 submitters: Likely benign (1). 4 of the submissions do not count toward it. Last evaluated 2022-07-07.

Conditions:
Hereditary thrombocytopenia and hematological cancer predisposition syndrome associated with RUNX1. Also called: Familial Platelet Disorder with Propensity to Acute Myelogenous Leukemia; Familial thrombocytopenia with propensity to acute myelogenous leukemia; PLATELET DISORDER, ASPIRIN-LIKE; RUNX1 Familial Platelet Disorder with Associated Myeloid Malignancies. Identifiers: Orphanet 71290, MedGen C1832388, MeSH C563324, MONDO:0100083, OMIM 601399.
Hereditary thrombocytopenia and hematologic cancer predisposition syndrome. Identifiers: Orphanet 71290, MedGen CN281654, MONDO:0011071.
Inborn genetic diseases. Identifiers: MedGen C0950123, MeSH D030342.

Allele frequency attached by ClinVar (database versions not stated): gnomAD 0.00001; ExAC 0.00002; TOPMed 0.00002; gnomAD exomes 0.00003; ESP Exome Variant Server 0.00008.
gnomAD v4.1: 31 of 1,593,792 alleles (0.0019%); highest among the groups gnomAD compares: Non-Finnish European, 0.0024%; no homozygotes.

Submissions (5):

ClinGen Myeloid Malignancy Variant Curation Expert Panel
Classification: Likely benign for Hereditary thrombocytopenia and hematologic cancer predisposition syndrome. Last evaluated: 2022-07-07. Review status: reviewed by expert panel. Criteria: ClinGen MyeloMalig ACMG Specifications v2. Collection method: curation. Allele origin: germline. Inheritance: Autosomal dominant inheritance.
Comment: NM_001754.4(RUNX1):c.981G>C (p.Leu327=) is a synonymous variant is located at a weakly conserved nucleotide per an evolutionary conservation prediction algorithm (PhyloP score = 0.994606 in GRCh38), and the variant is the reference nucleotide in one primate and/or 3 mammals; it is not predicted to have any splicing impact per SpliceAI (BP7). In summary, this variant meets criteria to be classified as likely benign. ACMG/AMP criteria applied, as specified by the ClinGen Myeloid Malignancy Variant Curation Expert Panel for RUNX1: BP4 and BP7.

Labcorp Genetics (formerly Invitae), Labcorp
Classification: Likely benign for Hereditary thrombocytopenia and hematological cancer predisposition syndrome associated with RUNX1. Last evaluated: 2025-05-28. Review status: criteria provided, single submitter. Criteria: Invitae Variant Classification Sherloc (09022015). Collection method: clinical testing. Allele origin: germline. Not counted in ClinVar's aggregate classification.

Ambry Genetics
Classification: Likely benign for Inborn genetic diseases. Last evaluated: 2024-10-15. Review status: criteria provided, single submitter. Criteria: Ambry Variant Classification Scheme 2023. Collection method: clinical testing. Allele origin: germline. Not counted in ClinVar's aggregate classification.

Blueprint Genetics
Classification: Likely benign. Last evaluated: 2023-04-26. Review status: criteria provided, single submitter. Criteria: ACMG Guidelines, 2015. Collection method: clinical testing. Allele origin: germline. Not counted in ClinVar's aggregate classification.

Illumina Laboratory Services, Illumina
Classification: Uncertain significance for Hereditary thrombocytopenia and hematological cancer predisposition syndrome associated with RUNX1. Last evaluated: 2018-01-13. Review status: criteria provided, single submitter. Criteria: ICSL Variant Classification Criteria 13 December 2019. Collection method: clinical testing. Allele origin: germline. Not counted in ClinVar's aggregate classification.

NM_001754.5(RUNX1):c.981G>C (p.Leu327=)

Gene: RUNX1 (RUNX family transcription factor 1; minus strand). Cytogenetic location: 21q22.12.
Variant type: single nucleotide variant.
Coding change: c.981G>C on transcript NM_001754.5 (MANE Select); coding-DNA position 981, G replaced by C.
Protein change: p.Leu327=; no amino-acid change (leucine 327 retained).
Molecular consequence: synonymous variant.
Genome position (GRCh38, 1-based): chr21:34,792,597, C>G on the plus strand (G>C on the coding strand, the complement: RUNX1 is on the minus strand). VCF-style: chr21-34792597-C-G. GRCh37 (hg19) VCF-style: chr21-36164894-C-G.
Other names: NM_001754.4(RUNX1):c.981G>C; p.Leu327=; c.900G>C, p.Leu300= (NM_001001890.3).
Identifiers: ClinVar variation 707307 (VCV000707307.18), dbSNP rs376269814, ClinGen allele CA10014229.